The following is an entry in ClinVar:

ClinVar aggregate classification (germline): Likely benign. Review status: criteria provided, multiple submitters, no conflicts (2 of 4 stars). 4 submissions from 4 submitters: Likely benign (3). 1 of the submissions does not count toward it. Last evaluated 2025-12-31.

Conditions:
Combined immunodeficiency due to DOCK8 deficiency (HIES2). Also called: HYPER-IgE RECURRENT INFECTION SYNDROME 2, AUTOSOMAL RECESSIVE; DOCK8 Deficiency; HIES autosomal recessive; Hyper-IgE recurrent infection syndrome, autosomal recessive; HYPER-IgE SYNDROME 2, AUTOSOMAL RECESSIVE, WITH RECURRENT INFECTIONS. Identifiers: Orphanet 217390, MedGen C4722305, MONDO:0009478, OMIM 243700.
DOCK8-related disorder. Also called: DOCK8-related condition.

Allele frequency attached by ClinVar (database versions not stated): ESP Exome Variant Server 0.00008; ExAC 0.00009; gnomAD exomes 0.00014; gnomAD 0.00018 and 0.00019; TOPMed 0.00019.
gnomAD v4.1: 438 of 1,614,026 alleles (0.027%); highest among the groups gnomAD compares: Admixed American, 0.047%; 1 homozygote.

Submissions (4):

Labcorp Genetics (formerly Invitae), Labcorp
Classification: Likely benign for Combined immunodeficiency due to DOCK8 deficiency. Last evaluated: 2025-12-31. Review status: criteria provided, single submitter. Criteria: Invitae Variant Classification Sherloc (09022015). Collection method: clinical testing. Allele origin: germline.

CeGaT Center for Human Genetics Tuebingen
Classification: Likely benign. Last evaluated: 2025-10-01. Review status: criteria provided, single submitter. Criteria: CeGaT Center For Human Genetics Tuebingen Variant Classification Criteria Version 2. Collection method: clinical testing. Allele origin: germline. Affected: yes. Observed: 1 variant allele.
Comment: DOCK8: BP4, BP7

Blueprint Genetics
Classification: Likely benign. Last evaluated: 2024-09-16. Review status: criteria provided, single submitter. Criteria: ACMG Guidelines, 2015. Collection method: clinical testing. Allele origin: germline.

PreventionGenetics, part of Exact Sciences
Classification: Likely benign for DOCK8-related condition. Last evaluated: 2020-04-20. Review status: no assertion criteria provided. Collection method: clinical testing. Allele origin: germline. Not counted in ClinVar's aggregate classification.
Comment: This variant is classified as likely benign based on ACMG/AMP sequence variant interpretation guidelines (Richards et al. 2015 PMID: 25741868, with internal and published modifications).

NM_203447.4(DOCK8):c.657C>T (p.Ala219=)

Gene: DOCK8 (dedicator of cytokinesis 8; plus strand). Cytogenetic location: 9p24.3.
Variant type: single nucleotide variant.
Coding change: c.657C>T on transcript NM_203447.4 (MANE Select); coding-DNA position 657, C replaced by T.
Protein change: p.Ala219=; no amino-acid change (alanine 219 retained).
Molecular consequence: synonymous variant.
Genome position (GRCh38, 1-based): chr9:312,082, C>T. VCF-style: chr9-312082-C-T. GRCh37 (hg19) VCF-style: chr9-312082-C-T.
Other names: c.453C>T, p.Ala151= (NM_001190458.2, NM_001193536.2).
Identifiers: ClinVar variation 740903 (VCV000740903.20), dbSNP rs368709669, ClinGen allele CA4957354.